The following is an entry in ClinVar:

NM_014714.4(IFT140):c.2204A>G (p.Glu735Gly)

Gene: IFT140 (intraflagellar transport 140; minus strand). Cytogenetic location: 16p13.3.
Variant type: single nucleotide variant.
Coding change: c.2204A>G on transcript NM_014714.4 (MANE Select); coding-DNA position 2204, A replaced by G.
Protein change: p.Glu735Gly; replaces glutamic acid 735 with glycine.
Molecular consequence: missense variant.
Genome position (GRCh38, 1-based): chr16:1,558,130, T>C on the plus strand (A>G on the coding strand, the complement: IFT140 is on the minus strand). VCF-style: chr16-1558130-T-C. GRCh37 (hg19) VCF-style: chr16-1608131-T-C.
Other names: short protein forms E735G.
Identifiers: ClinVar variation 1719299 (VCV001719299.5), dbSNP rs2507094213, ClinGen allele CA394201370.

ClinVar aggregate classification (germline): Uncertain significance (1 of 4 stars; one submission).

Conditions:
Saldino-Mainzer syndrome (SRTD9). Also called: CONORENAL SYNDROME; short-rib thoracic dysplasia 9 with or without polydactyly; Renal dysplasia, retinal pigmentary dystrophy, cerebellar ataxia and skeletal dysplasia; SHORT-RIB THORACIC DYSPLASIA 9 WITHOUT POLYDACTYLY. Identifiers: Orphanet 140969, MedGen C1849437, MONDO:0009964, OMIM 266920.

Submission:

Labcorp Genetics (formerly Invitae), Labcorp
Classification: Uncertain significance for Saldino-Mainzer syndrome. Last evaluated: 2022-07-19. Review status: criteria provided, single submitter. Criteria: Invitae Variant Classification Sherloc (09022015). Collection method: clinical testing. Allele origin: germline.
Comment: Algorithms developed to predict the effect of missense changes on protein structure and function output the following: SIFT: "Tolerated"; PolyPhen-2: "Benign"; Align-GVGD: "Class C0". The glycine amino acid residue is found in multiple mammalian species, which suggests that this missense change does not adversely affect protein function. In summary, the available evidence is currently insufficient to determine the role of this variant in disease. Therefore, it has been classified as a Variant of Uncertain Significance. This variant has not been reported in the literature in individuals affected with IFT140-related conditions. This variant is not present in population databases (gnomAD no frequency). This sequence change replaces glutamic acid, which is acidic and polar, with glycine, which is neutral and non-polar, at codon 735 of the IFT140 protein (p.Glu735Gly).